The following is an entry in ClinVar:

ClinVar aggregate classification (germline): Uncertain significance (1 of 4 stars; one submission).

Allele frequency attached by ClinVar (database versions not stated): gnomAD exomes below 0.00001; TOPMed below 0.00001; gnomAD 0.00001.
gnomAD v4.1: 6 of 1,614,114 alleles (0.00037%); highest among the groups gnomAD compares: African/African-American, 0.008%; no homozygotes.

Submission:

Ambry Genetics
Classification: Uncertain significance. Last evaluated: 2024-03-22. Review status: criteria provided, single submitter. Criteria: Ambry Variant Classification Scheme 2023. Collection method: clinical testing. Allele origin: germline.
Comment: The p.G866D variant (also known as c.2597G>A), located in coding exon 16 of the POLQ gene, results from a G to A substitution at nucleotide position 2597. The glycine at codon 866 is replaced by aspartic acid, an amino acid with similar properties. This amino acid position is conserved. In addition, the in silico prediction for this alteration is inconclusive. Since supporting evidence is limited at this time, the clinical significance of this alteration remains unclear.

NM_199420.4(POLQ):c.2597G>A (p.Gly866Asp)

Gene: POLQ (DNA polymerase theta; minus strand). Cytogenetic location: 3q13.33.
Variant type: single nucleotide variant.
Coding change: c.2597G>A on transcript NM_199420.4 (MANE Select); coding-DNA position 2597, G replaced by A.
Protein change: p.Gly866Asp; replaces glycine 866 with aspartic acid.
Molecular consequence: missense variant.
Genome position (GRCh38, 1-based): chr3:121,490,334, C>T on the plus strand (G>A on the coding strand, the complement: POLQ is on the minus strand). VCF-style: chr3-121490334-C-T. GRCh37 (hg19) VCF-style: chr3-121209181-C-T.
Other names: short protein forms G866D.
Identifiers: ClinVar variation 1793577 (VCV001793577.2), dbSNP rs1264975013, ClinGen allele CA354105686.